The following is an entry in ClinVar:

NM_013339.4(ALG6):c.1022T>C (p.Phe341Ser)

Gene: ALG6 (ALG6 alpha-1,3-glucosyltransferase; plus strand). Cytogenetic location: 1p31.3.
Variant type: single nucleotide variant.
Coding change: c.1022T>C on transcript NM_013339.4 (MANE Select); coding-DNA position 1022, T replaced by C.
Protein change: p.Phe341Ser; replaces phenylalanine 341 with serine.
Molecular consequence: missense variant.
Genome position (GRCh38, 1-based): chr1:63,419,404, T>C. VCF-style: chr1-63419404-T-C. GRCh37 (hg19) VCF-style: chr1-63885075-T-C.
Other names: short protein forms F341S.
Identifiers: ClinVar variation 5003777 (VCV005003777.1).

ClinVar aggregate classification (germline): Uncertain significance (1 of 4 stars; one submission).

Conditions:
ALG6-congenital disorder of glycosylation 1C (CDG1C). Also called: Congenital disorder of glycosylation, type Ic; CARBOHYDRATE-DEFICIENT GLYCOPROTEIN SYNDROME, TYPE I, WITH DEFICIENT GLYCOSYLATION OF DOLICHOL-LINKED OLIGOSACCHARIDE; CARBOHYDRATE-DEFICIENT GLYCOPROTEIN SYNDROME, TYPE V; Congenital disorder of glycosylation type 1C; CDG Ic. Identifiers: Orphanet 79320, MedGen C2930997, MONDO:0011291, OMIM 603147.

gnomAD v4.1: 1 of 1,610,186 alleles (0.000062%); highest among the groups gnomAD compares: South Asian, 0.0011%; no homozygotes.

Submission:

Myriad Genetics, Inc.
Classification: Uncertain significance for ALG6-congenital disorder of glycosylation 1C. Last evaluated: 2025-12-23. Review status: criteria provided, single submitter. Criteria: Myriad Autosomal Dominant, Autosomal Recessive and X-Linked Classification Criteria (2023). Collection method: clinical testing. Allele origin: unknown.
Comment: NM_013339.3(ALG6):c.1022T>C(F341S) is a missense variant classified as a variant of uncertain significance in the context of congenital disorder of glycosylation, ALG6-related. F341S has not been observed in cases with relevant disease. Relevant functional assessments of this variant are not available in the literature. F341S has not been observed in referenced population frequency databases. In summary, there is insufficient evidence to classify NM_013339.3(ALG6):c.1022T>C(F341S) as pathogenic or benign. Please note: this variant was assessed in the context of healthy population screening.